The following is an entry in ClinVar:

NM_014270.5(SLC7A9):c.844G>A (p.Glu282Lys)

Gene: SLC7A9 (solute carrier family 7 member 9; minus strand). Cytogenetic location: 19q13.11.
Variant type: single nucleotide variant.
Coding change: c.844G>A on transcript NM_014270.5 (MANE Select); coding-DNA position 844, G replaced by A.
Protein change: p.Glu282Lys; replaces glutamic acid 282 with lysine.
Molecular consequence: missense variant.
Genome position (GRCh38, 1-based): chr19:32,859,870, C>T on the plus strand (G>A on the coding strand, the complement: SLC7A9 is on the minus strand). VCF-style: chr19-32859870-C-T. GRCh37 (hg19) VCF-style: chr19-33350776-C-T.
Other names: c.844G>A, p.Glu282Lys (NM_001126335.2, NM_001243036.2); short protein forms E282K.
Identifiers: ClinVar variation 962317 (VCV000962317.11), dbSNP rs373579480, ClinGen allele CA9358616.

ClinVar aggregate classification (germline): Uncertain significance. Review status: criteria provided, multiple submitters, no conflicts (2 of 4 stars). 2 submissions from 2 submitters: Uncertain significance (2). Last evaluated 2025-02-05.

Conditions:
Cystinuria (CSNU). Also called: Cystinuria, non-type I; CYSTINURIA, TYPE I; CYSTINURIA, TYPE II; CYSTINURIA, TYPE III. Identifiers: Orphanet 214, MedGen C0010691, MONDO:0009067, OMIM 220100, HP:0003131.

Allele frequency attached by ClinVar (database versions not stated): gnomAD 0.00001; gnomAD exomes 0.00002 and 0.00003; TOPMed 0.00003; ExAC 0.00005; ESP Exome Variant Server 0.00008.
gnomAD v4.1: 33 of 1,613,984 alleles (0.002%); highest among the groups gnomAD compares: Non-Finnish European, 0.0027%; no homozygotes.

Submissions (2):

Victorian Clinical Genetics Services, Murdoch Childrens Research Institute
Classification: Uncertain significance for Cystinuria. Last evaluated: 2025-02-05. Review status: criteria provided, single submitter. Criteria: ACMG Guidelines, 2015. Collection method: clinical testing. Allele origin: germline. Affected: yes.
Comment: This variant is classified as VUS-3A. Evidence in support of pathogenic classification: Variant is present in gnomAD <0.01 (v4: 33 heterozygote(s), 0 homozygote(s)); Missense variant predicted to be damaging by in silico tool(s) or highly conserved with a major amino acid change. Additional information: Variant is predicted to result in a missense amino acid change from glutamic acid to lysine; This variant is heterozygous; This gene is associated with both recessive and dominant disease. Some heterozygous variants have been reported to present with a milder phenotype (OMIM, PMID: 11157794); Alternative amino acid change(s) at the same position are present in gnomAD (Highest allele count: v4: 1 heterozygote(s), 0 homozygote(s)); Previous evidence of pathogenicity for this variant is inconclusive. This variant has been classified once as a VUS by a clinical laboratory (ClinVar); No published segregation evidence has been identified for this variant; No published functional evidence has been identified for this variant; No comparable missense variants have previous evidence for pathogenicity; Variant is located in the annotated AA permease 2 domain (DECIPHER); Loss of function is a known mechanism of disease in this gene and is associated with cystinuria (MIM#220100); The condition associated with this gene has incomplete penetrance. Autosomal dominant cystinuria has been reported to have incomplete penetrance (PMID: 25964309); Inheritance information for this variant is not currently available in this individual.

Labcorp Genetics (formerly Invitae), Labcorp
Classification: Uncertain significance. Last evaluated: 2023-08-14. Review status: criteria provided, single submitter. Criteria: Invitae Variant Classification Sherloc (09022015). Collection method: clinical testing. Allele origin: germline.
Comment: In summary, the available evidence is currently insufficient to determine the role of this variant in disease. Therefore, it has been classified as a Variant of Uncertain Significance. Advanced modeling of protein sequence and biophysical properties (such as structural, functional, and spatial information, amino acid conservation, physicochemical variation, residue mobility, and thermodynamic stability) performed at Invitae indicates that this missense variant is not expected to disrupt SLC7A9 protein function. ClinVar contains an entry for this variant (Variation ID: 962317). This variant has not been reported in the literature in individuals affected with SLC7A9-related conditions. This variant is present in population databases (rs373579480, gnomAD 0.007%). This sequence change replaces glutamic acid, which is acidic and polar, with lysine, which is basic and polar, at codon 282 of the SLC7A9 protein (p.Glu282Lys).

Literature cited by the submitters: PubMed 11157794 (cited by Victorian Clinical Genetics Services, Murdoch Childrens Research Institute); PubMed 25964309 (cited by Victorian Clinical Genetics Services, Murdoch Childrens Research Institute).